The following is an entry in ClinVar:

NM_000388.4(CASR):c.2696C>G (p.Ser899Cys)

Gene: CASR (calcium sensing receptor; plus strand). Cytogenetic location: 3q21.1.
Variant type: single nucleotide variant.
Coding change: c.2696C>G on transcript NM_000388.4 (MANE Select); coding-DNA position 2696, C replaced by G.
Protein change: p.Ser899Cys; replaces serine 899 with cysteine.
Molecular consequence: missense variant.
Genome position (GRCh38, 1-based): chr3:122,284,650, C>G. VCF-style: chr3-122284650-C-G. GRCh37 (hg19) VCF-style: chr3-122003497-C-G.
Other names: c.2726C>G, p.Ser909Cys (NM_001178065.2); short protein forms S909C, S899C.
Identifiers: ClinVar variation 1495083 (VCV001495083.8), dbSNP rs2107651026, ClinGen allele CA354160574.

ClinVar aggregate classification (germline): Uncertain significance (1 of 4 stars; one submission).

Conditions:
Autosomal dominant hypocalcemia 1 (HYPOC1). Also called: HYPOCALCEMIA, FAMILIAL. Identifiers: MedGen C3715128, MONDO:0011013, OMIM 601198.
Familial hypocalciuric hypercalcemia (FHH). Also called: Familial benign hypercalcemia. Identifiers: Orphanet 405, MedGen C1809471, MONDO:0018458.

Submission:

Labcorp Genetics (formerly Invitae), Labcorp
Classification: Uncertain significance for Familial hypocalciuric hypercalcemia; Autosomal dominant hypocalcemia 1. Last evaluated: 2020-12-19. Review status: criteria provided, single submitter. Criteria: Invitae Variant Classification Sherloc (09022015). Collection method: clinical testing. Allele origin: germline.
Comment: In summary, the available evidence is currently insufficient to determine the role of this variant in disease. Therefore, it has been classified as a Variant of Uncertain Significance. Algorithms developed to predict the effect of missense changes on protein structure and function are either unavailable or do not agree on the potential impact of this missense change (SIFT: "Deleterious"; PolyPhen-2: "Benign"; Align-GVGD: "Class C65"). This variant has not been reported in the literature in individuals with CASR-related conditions. This variant is not present in population databases (ExAC no frequency). This sequence change replaces serine with cysteine at codon 899 of the CASR protein (p.Ser899Cys). The serine residue is highly conserved and there is a moderate physicochemical difference between serine and cysteine.